The following is an entry in ClinVar:

NM_000088.4(COL1A1):c.2185A>G (p.Met729Val)

Gene: COL1A1 (collagen type I alpha 1 chain; minus strand). Cytogenetic location: 17q21.33.
Variant type: single nucleotide variant.
Coding change: c.2185A>G on transcript NM_000088.4 (MANE Select); coding-DNA position 2185, A replaced by G.
Protein change: p.Met729Val; replaces methionine 729 with valine.
Molecular consequence: missense variant.
Genome position (GRCh38, 1-based): chr17:50,191,433, T>C on the plus strand (A>G on the coding strand, the complement: COL1A1 is on the minus strand). VCF-style: chr17-50191433-T-C. GRCh37 (hg19) VCF-style: chr17-48268794-T-C.
Other names: short protein forms M729V.
Identifiers: ClinVar variation 3000746 (VCV003000746.3), dbSNP rs1907066485, ClinGen allele CA400211091.

ClinVar aggregate classification (germline): Uncertain significance (1 of 4 stars; one submission).

Conditions:
Osteogenesis imperfecta type I (OI1). Also called: Lobstein disease; Classic Non-deforming Osteogenesis Imperfecta with Blue Sclerae; OI, TYPE I; OSTEOGENESIS IMPERFECTA TARDA; OSTEOGENESIS IMPERFECTA WITH BLUE SCLERAE; Osteogenesis imperfecta type 1. Identifiers: Orphanet 216796, Orphanet 666, MedGen C0023931, MONDO:0008146, OMIM 166200. Disease mechanism: loss of function.

Allele frequency attached by ClinVar (database versions not stated): gnomAD exomes below 0.00001; TOPMed below 0.00001.
gnomAD v4.1: 1 of 1,613,864 alleles (0.000062%); highest among the groups gnomAD compares: Non-Finnish European, 0.000085%; no homozygotes.

Submission:

Labcorp Genetics (formerly Invitae), Labcorp
Classification: Uncertain significance for Osteogenesis imperfecta type I. Last evaluated: 2023-03-08. Review status: criteria provided, single submitter. Criteria: Invitae Variant Classification Sherloc (09022015). Collection method: clinical testing. Allele origin: germline.
Comment: In summary, the available evidence is currently insufficient to determine the role of this variant in disease. Therefore, it has been classified as a Variant of Uncertain Significance. Advanced modeling of protein sequence and biophysical properties (such as structural, functional, and spatial information, amino acid conservation, physicochemical variation, residue mobility, and thermodynamic stability) has been performed at Invitae for this missense variant, however the output from this modeling did not meet the statistical confidence thresholds required to predict the impact of this variant on COL1A1 protein function. This variant has not been reported in the literature in individuals affected with COL1A1-related conditions. This variant is not present in population databases (gnomAD no frequency). This sequence change replaces methionine, which is neutral and non-polar, with valine, which is neutral and non-polar, at codon 729 of the COL1A1 protein (p.Met729Val).